The following is an entry in ClinVar:

NM_001330078.2(NRXN1):c.262C>G (p.Arg88Gly)

Gene: NRXN1 (neurexin 1; minus strand). Cytogenetic location: 2p16.3.
Variant type: single nucleotide variant.
Coding change: c.262C>G on transcript NM_001330078.2 (MANE Select); coding-DNA position 262, C replaced by G.
Protein change: p.Arg88Gly; replaces arginine 88 with glycine.
Molecular consequence: missense variant.
Genome position (GRCh38, 1-based): chr2:51,028,012, G>C on the plus strand (C>G on the coding strand, the complement: NRXN1 is on the minus strand). VCF-style: chr2-51028012-G-C. GRCh37 (hg19) VCF-style: chr2-51255150-G-C.
Other names: p.R88G:CGC>GGC; c.262C>G, p.Arg88Gly (NM_001135659.3, NM_001330077.2, NM_001330090.2 and 15 more transcripts); short protein forms R88G.
Identifiers: ClinVar variation 206235 (VCV000206235.11), dbSNP rs748684256, ClinGen allele CA316119.

ClinVar aggregate classification (germline): Uncertain significance. Review status: criteria provided, multiple submitters, no conflicts (2 of 4 stars). 5 submissions from 5 submitters: Uncertain significance (5). Last evaluated 2026-09-15.

Conditions:
Inborn genetic diseases. Identifiers: MedGen C0950123, MeSH D030342.
Pitt-Hopkins-like syndrome 2 (PTHSL2). Identifiers: Orphanet 221150, Orphanet 600663, MedGen C3280479, MONDO:0013690, OMIM 614325.
Chromosome 2p16.3 deletion syndrome. Identifiers: MedGen C3808494, MONDO:0013696, OMIM 614332.
Complex neurodevelopmental disorder. Identifiers: Orphanet 528084, MedGen C5568766, MONDO:0100038.

Allele frequency attached by ClinVar (database versions not stated): gnomAD 0.00001; TOPMed 0.00002; gnomAD exomes 0.00003; ExAC 0.00004.
gnomAD v4.1: 21 of 1,599,410 alleles (0.0013%); highest among the groups gnomAD compares: Non-Finnish European, 0.0018%; no homozygotes.

Submissions (5):

GeneDx
Classification: Uncertain significance. Last evaluated: 2026-09-15. Review status: criteria provided, single submitter. Criteria: GeneDx Variant Classification Process June 2021. Collection method: clinical testing. Allele origin: germline.
Comment: Identified in a patient and the mother in the published literature; however, clinical information was not provided and functional studies of R88G was not performed in the study. In addition, this variant was also detected in 1 out of 190 individuals in their control population (PMID: 21424692); In silico analysis supports that this missense variant has a deleterious effect on protein structure/function; Missense variant in a gene in which most reported pathogenic variants are truncating/loss of function; This variant is associated with the following publications: (PMID: 21424692)

Labcorp Genetics (formerly Invitae), Labcorp
Classification: Uncertain significance for Pitt-Hopkins-like syndrome 2. Last evaluated: 2024-12-15. Review status: criteria provided, single submitter. Criteria: Invitae Variant Classification Sherloc (09022015). Collection method: clinical testing. Allele origin: germline.
Comment: This sequence change replaces arginine, which is basic and polar, with glycine, which is neutral and non-polar, at codon 88 of the NRXN1 protein (p.Arg88Gly). This variant is present in population databases (rs748684256, gnomAD 0.006%). This variant has not been reported in the literature in individuals affected with NRXN1-related conditions. ClinVar contains an entry for this variant (Variation ID: 206235). An algorithm developed to predict the effect of missense changes on protein structure and function (PolyPhen-2) suggests that this variant is likely to be disruptive. In summary, the available evidence is currently insufficient to determine the role of this variant in disease. Therefore, it has been classified as a Variant of Uncertain Significance.

Blueprint Genetics
Classification: Uncertain significance. Last evaluated: 2024-08-16. Review status: criteria provided, single submitter. Criteria: ACMG Guidelines, 2015. Collection method: clinical testing. Allele origin: germline.

Ambry Genetics
Classification: Uncertain significance for Inborn genetic diseases. Last evaluated: 2023-03-20. Review status: criteria provided, single submitter. Criteria: Ambry Variant Classification Scheme 2023. Collection method: clinical testing. Allele origin: germline.

Fulgent Genetics
Classification: Uncertain significance for Pitt-Hopkins-like syndrome 2; Chromosome 2p16.3 deletion syndrome. Last evaluated: 2018-10-31. Review status: criteria provided, single submitter. Criteria: ACMG Guidelines, 2015. Collection method: clinical testing. Allele origin: unknown.